The following is an entry in ClinVar:

ClinVar aggregate classification (germline): Likely pathogenic (1 of 4 stars; one submission).

Submission:

Dasa
Classification: Likely pathogenic. Last evaluated: 2025-09-08. Review status: criteria provided, single submitter. Criteria: DASA Assertion Criteria. Collection method: clinical testing. Allele origin: germline.
Comment: NM_001393769.1(MED12L):c.2867del (p.Cys956Phefs*9) is a frameshift variant in MED12L predicted to alter the reading frame and introduce a premature termination codon and is predicted to result in an absent or altered protein product. Loss of function is an established disease mechanism for MED12L-associated disorders. Also, this variant is absent from population databases. Based on the currently available evidence, this variant is classified as likely pathogenic.

NM_001393769.1(MED12L):c.2867del (p.Cys956fs)

Genes: MED12L (mediator complex subunit 12L; plus strand), P2RY12 (purinergic receptor P2Y12; minus strand). Cytogenetic location: 3q25.1.
Variant type: Deletion.
Coding change: c.2867del on transcript NM_001393769.1 (MANE Select); coding-DNA position 2867, one base deleted (G; older notation c.2867delG).
Protein change: p.Cys956fs; shifts the reading frame from cysteine 956.
Molecular consequence: frameshift variant. On other transcripts: intron variant (1).
Genome position (GRCh38, 1-based): chr3:151,360,515, G deleted. VCF-style (leftmost placement, unchanged base first): chr3-151360514-TG-T. GRCh37 (hg19) VCF-style: chr3-151078302-TG-T.
Other names: c.2762del, p.Cys921fs (NM_053002.6); c.-179-19755del (NM_022788.5); short protein forms C921fs, C956fs.
Identifiers: ClinVar variation 4886465 (VCV004886465.2).
Genomic context (GRCh38, chr3:151,360,514, plus strand): 5'-TCGTATATTTTTCTCCTCAGGTTGTGTGGTGTGGTCAAGCATGTCGTAAACCCCTCAGAA[TG>T]TTCTTCCCCTGAAAGATGCATTTTAGCCTACCTCTATGATCTCTATGTGTCATGTAGCCA-3'